The following is an entry in ClinVar:

NM_020845.3(PITPNM2):c.3823A>G (p.Lys1275Glu)

Gene: PITPNM2 (phosphatidylinositol transfer protein membrane associated 2; minus strand). Cytogenetic location: 12q24.31.
Variant type: single nucleotide variant.
Coding change: c.3823A>G on transcript NM_020845.3 (MANE Select); coding-DNA position 3823, A replaced by G.
Protein change: p.Lys1275Glu; replaces lysine 1275 with glutamic acid.
Molecular consequence: missense variant.
Genome position (GRCh38, 1-based): chr12:122,986,254, T>C on the plus strand (A>G on the coding strand, the complement: PITPNM2 is on the minus strand). VCF-style: chr12-122986254-T-C. GRCh37 (hg19) VCF-style: chr12-123470801-T-C.
Other names: c.3805A>G, p.Lys1269Glu (NM_001300801.2, NM_001384668.1); c.4000A>G, p.Lys1334Glu (NM_001384660.1); c.3661A>G, p.Lys1221Glu (NM_001384661.1, NM_001384663.1); c.3652A>G, p.Lys1218Glu (NM_001384662.1); c.3610A>G, p.Lys1204Glu (NM_001384664.1); short protein forms K1204E, K1269E, K1275E, K1334E, K1218E, K1221E.
Identifiers: ClinVar variation 5026725 (VCV005026725.1).

ClinVar aggregate classification (germline): Uncertain significance (1 of 4 stars; one submission).

gnomAD v4.1: 2 of 1,580,304 alleles (0.00013%); no homozygotes.

Submission:

Ambry Genetics
Classification: Uncertain significance. Last evaluated: 2026-07-29. Review status: criteria provided, single submitter. Criteria: Ambry Variant Classification Scheme 2023. Collection method: clinical testing. Allele origin: germline.
Comment: The c.3823A>G (p.K1275E) alteration is located in exon 25 (coding exon 24) of the PITPNM2 gene. This alteration results from a A to G substitution at nucleotide position 3823, causing the lysine (K) at amino acid position 1275 to be replaced by a glutamic acid (E). Based on data from gnomAD, the G allele has an overall frequency of <0.001% (1/185336) total alleles studied. The highest observed frequency was <0.001% (/) of alleles. Based on insufficient or conflicting evidence, the clinical significance of this alteration remains unclear.